The following is an entry in ClinVar:

NM_012120.3(CD2AP):c.1268T>C (p.Ile423Thr)

Gene: CD2AP (CD2 associated protein; plus strand). Cytogenetic location: 6p12.3.
Variant type: single nucleotide variant.
Coding change: c.1268T>C on transcript NM_012120.3 (MANE Select); coding-DNA position 1268, T replaced by C.
Protein change: p.Ile423Thr; replaces isoleucine 423 with threonine.
Molecular consequence: missense variant.
Genome position (GRCh38, 1-based): chr6:47,596,020, T>C. VCF-style: chr6-47596020-T-C. GRCh37 (hg19) VCF-style: chr6-47563756-T-C.
Other names: short protein forms I423T.
Identifiers: ClinVar variation 2875482 (VCV002875482.3), dbSNP rs1192567784, ClinGen allele CA363947152.
Genomic context (GRCh38, chr6:47,596,020, plus strand): 5'-GATCTTCTGGAACAGTGTACCCAAAGCGACCTGAAAAACCAGTTCCTCCACCACCTCCTA[T>C]AGCCAAGTAAGTTTTACCTAATTTTAAATTAGCTTACTGATTTACTCACCTTTGACCTTA-3'
Protein context (NP_036252.1, residues 413-433): PEKPVPPPPP[Ile423Thr]AKINGEVSSI

ClinVar aggregate classification (germline): Uncertain significance (1 of 4 stars; one submission).

Allele frequency attached by ClinVar (database versions not stated): gnomAD exomes below 0.00001.

Submission:

Labcorp Genetics (formerly Invitae), Labcorp
Classification: Uncertain significance. Last evaluated: 2023-08-19. Review status: criteria provided, single submitter. Criteria: Invitae Variant Classification Sherloc (09022015). Collection method: clinical testing. Allele origin: germline.
Comment: In summary, the available evidence is currently insufficient to determine the role of this variant in disease. Therefore, it has been classified as a Variant of Uncertain Significance. Algorithms developed to predict the effect of missense changes on protein structure and function output the following: SIFT: "Not Available"; PolyPhen-2: "Benign"; Align-GVGD: "Not Available". The threonine amino acid residue is found in multiple mammalian species, which suggests that this missense change does not adversely affect protein function. This variant has not been reported in the literature in individuals affected with CD2AP-related conditions. This variant is present in population databases (no rsID available, gnomAD 0.006%). This sequence change replaces isoleucine, which is neutral and non-polar, with threonine, which is neutral and polar, at codon 423 of the CD2AP protein (p.Ile423Thr).